The following is an entry in ClinVar:

ClinVar aggregate classification (germline): Likely benign (1 of 4 stars; one submission).

Conditions:
Familial intrahepatic cholestasis. Identifiers: Orphanet 284385, MedGen CN296401, MONDO:0017290.

gnomAD v4.1: 2 of 1,597,514 alleles (0.00013%); highest among the groups gnomAD compares: Admixed American, 0.0034%; no homozygotes.

Submission:

Genomenon, Inc
Classification: Likely benign for Familial intrahepatic cholestasis. Last evaluated: 2026-04-14. Review status: criteria provided, single submitter. Criteria: Genomenon Sequence Variant Interpretation Standards - Updated. Collection method: curation. Allele origin: germline. Affected: no.
Comment: ABCB11 c.97A>C is a synonymous variant that retains Arginine at residue 33. This variant has been reported in the published literature (PMID:28733223;22795478). It is absent or not present at a significant frequency in gnomAD. This synonymous variant is not predicted to impact splicing. In conclusion, we classify ABCB11 p.Arg33= (c.97A>C) as a likely benign variant.

Literature cited by the submitters: PubMed 28733223; PubMed 22795478.

NM_003742.4(ABCB11):c.97A>C (p.Arg33=)

Gene: ABCB11 (ATP binding cassette subfamily B member 11; minus strand). Cytogenetic location: 2q31.1.
Variant type: single nucleotide variant.
Coding change: c.97A>C on transcript NM_003742.4 (MANE Select); coding-DNA position 97, A replaced by C.
Protein change: p.Arg33=; no amino-acid change (arginine 33 retained).
Molecular consequence: synonymous variant.
Genome position (GRCh38, 1-based): chr2:169,016,779, T>G on the plus strand (A>C on the coding strand, the complement: ABCB11 is on the minus strand). VCF-style: chr2-169016779-T-G. GRCh37 (hg19) VCF-style: chr2-169873289-T-G.
Identifiers: ClinVar variation 4846154 (VCV004846154.1).